The following is an entry in ClinVar:

ClinVar aggregate classification (germline): Uncertain significance (1 of 4 stars; one submission).

Allele frequency attached by ClinVar (database versions not stated): gnomAD exomes below 0.00001 and 0.00001; TOPMed below 0.00001; gnomAD 0.00001.
gnomAD v4.1: 5 of 1,550,282 alleles (0.00032%); highest among the groups gnomAD compares: East Asian, 0.0049%; no homozygotes.

Submission:

Labcorp Genetics (formerly Invitae), Labcorp
Classification: Uncertain significance. Last evaluated: 2025-04-16. Review status: criteria provided, single submitter. Criteria: Invitae Variant Classification Sherloc (09022015). Collection method: clinical testing. Allele origin: germline.
Comment: This sequence change replaces serine, which is neutral and polar, with arginine, which is basic and polar, at codon 1321 of the EYS protein (p.Ser1321Arg). This variant is present in population databases (no rsID available, gnomAD 0.002%). This variant has not been reported in the literature in individuals affected with EYS-related conditions. ClinVar contains an entry for this variant (Variation ID: 1416518). Invitae Evidence Modeling of protein sequence and biophysical properties (such as structural, functional, and spatial information, amino acid conservation, physicochemical variation, residue mobility, and thermodynamic stability) indicates that this missense variant is not expected to disrupt EYS protein function with a negative predictive value of 80%. In summary, the available evidence is currently insufficient to determine the role of this variant in disease. Therefore, it has been classified as a Variant of Uncertain Significance.

NM_001142800.2(EYS):c.3963C>A (p.Ser1321Arg)

Gene: EYS (EGF-like photoreceptor maintenance factor; minus strand). Cytogenetic location: 6q12.
Variant type: single nucleotide variant.
Coding change: c.3963C>A on transcript NM_001142800.2 (MANE Select); coding-DNA position 3963, C replaced by A.
Protein change: p.Ser1321Arg; replaces serine 1321 with arginine.
Molecular consequence: missense variant.
Genome position (GRCh38, 1-based): chr6:64,591,904, G>T on the plus strand (C>A on the coding strand, the complement: EYS is on the minus strand). VCF-style: chr6-64591904-G-T. GRCh37 (hg19) VCF-style: chr6-65301797-G-T.
Other names: c.3963C>A, p.Ser1321Arg (NM_001292009.2); short protein forms S1321R.
Identifiers: ClinVar variation 1416518 (VCV001416518.6), dbSNP rs1176129835, ClinGen allele CA364784336.